The following is an entry in ClinVar:

NM_001370466.1(NOD2):c.1929C>A (p.Asn643Lys)

Gene: NOD2 (nucleotide binding oligomerization domain containing 2; plus strand). Cytogenetic location: 16q12.1.
Variant type: single nucleotide variant.
Coding change: c.1929C>A on transcript NM_001370466.1 (MANE Select); coding-DNA position 1929, C replaced by A.
Protein change: p.Asn643Lys; replaces asparagine 643 with lysine.
Molecular consequence: missense variant. On other transcripts: non-coding transcript variant (1).
Genome position (GRCh38, 1-based): chr16:50,711,921, C>A. VCF-style: chr16-50711921-C-A. GRCh37 (hg19) VCF-style: chr16-50745832-C-A.
Other names: c.1929C>A, p.Asn643Lys (NM_001293557.2); c.2010C>A, p.Asn670Lys (NM_022162.3); c.2010C>A (LRG_177t1); short protein forms N670K, N643K.
Identifiers: ClinVar variation 97842 (VCV000097842.9), dbSNP rs104895475, ClinGen allele CA150239.

ClinVar aggregate classification (germline): Pathogenic/Likely pathogenic. Review status: criteria provided, multiple submitters, no conflicts (2 of 4 stars). 3 submissions from 3 submitters: Pathogenic (1); Likely pathogenic (1). 1 of the submissions does not count toward it. Last evaluated 2026-04-30.

Conditions:
Rare genetic inflammatory skin disorders.
Regional enteritis. Also called: Enteritis, Granulomatous. Identifiers: MedGen C0678202, MeSH D003424.
Blau syndrome (BLAUS). Also called: ARTHROCUTANEOUVEAL GRANULOMATOSIS; GRANULOMATOSIS, FAMILIAL JUVENILE SYSTEMIC; GRANULOMATOSIS, FAMILIAL, BLAU TYPE; GRANULOMATOUS INFLAMMATORY ARTHRITIS, DERMATITIS, AND UVEITIS, FAMILIAL; JABS SYNDROME. Identifiers: Orphanet 90340, MedGen C5201146, MONDO:0008523, OMIM 186580.

Submissions (3):

Genetics Laboratory, Great Ormond Street Hospital NHS Foundation Trust, North Thames Genomic Laboratory Hub
Classification: Likely pathogenic for Rare genetic inflammatory skin disorders. Last evaluated: 2026-04-30. Review status: criteria provided, single submitter. Criteria: ACGS Best Practice Guidelines for Variant Classification in Rare Disease 2024 v1.2. Collection method: clinical testing. Allele origin: germline. Affected: yes.
Comment: PS4_moderate, PM2_moderate, PS3_supporting, PM6_moderate

Labcorp Genetics (formerly Invitae), Labcorp
Classification: Pathogenic for Regional enteritis; Blau syndrome. Last evaluated: 2023-07-17. Review status: criteria provided, single submitter. Criteria: Invitae Variant Classification Sherloc (09022015). Collection method: clinical testing. Allele origin: germline.
Comment: For these reasons, this variant has been classified as Pathogenic. Experimental studies have shown that this missense change affects NOD2 function (PMID: 15459013, 20039400, 25093298). Advanced modeling of protein sequence and biophysical properties (such as structural, functional, and spatial information, amino acid conservation, physicochemical variation, residue mobility, and thermodynamic stability) performed at Invitae indicates that this missense variant is expected to disrupt NOD2 protein function. ClinVar contains an entry for this variant (Variation ID: 97842). This missense change has been observed in individuals with Blau syndrome or early onset sarcoidosis (PMID: 15459013, 20039400, 32647028). This variant is not present in population databases (gnomAD no frequency). This sequence change replaces asparagine, which is neutral and polar, with lysine, which is basic and polar, at codon 670 of the NOD2 protein (p.Asn670Lys).

Unité médicale des maladies autoinflammatoires, CHRU Montpellier
No classification provided. Condition: Sarcoidosis, early-onset. Review status: no classification provided. Collection method: not provided. Allele origin: unknown. Not counted in ClinVar's aggregate classification.
Comment: also involved in OMIM 186580 and 266600

Literature cited by the submitters: PubMed 15459013 (cited by Labcorp Genetics (formerly Invitae), Labcorp); PubMed 20039400 (cited by Labcorp Genetics (formerly Invitae), Labcorp); PubMed 25093298 (cited by Labcorp Genetics (formerly Invitae), Labcorp); PubMed 32647028 (cited by Labcorp Genetics (formerly Invitae), Labcorp).